The following is an entry in ClinVar:

ClinVar aggregate classification (germline): Uncertain significance (1 of 4 stars; one submission).

Conditions:
Hereditary cancer-predisposing syndrome. Also called: Neoplastic Syndromes, Hereditary; Hereditary Cancer Syndrome; Hereditary neoplastic syndrome; Tumor predisposition. Identifiers: Orphanet 140162, MedGen C0027672, MeSH D009386, MONDO:0015356.

Submission:

Ambry Genetics
Classification: Uncertain significance for Hereditary cancer-predisposing syndrome. Last evaluated: 2025-05-23. Review status: criteria provided, single submitter. Criteria: Ambry Variant Classification Scheme 2023. Collection method: clinical testing. Allele origin: germline.
Comment: The p.K2008N variant (also known as c.6024G>T), located in coding exon 10 of the BRCA2 gene, results from a G to T substitution at nucleotide position 6024. The lysine at codon 2008 is replaced by asparagine, an amino acid with similar properties. This amino acid position is not well conserved in available vertebrate species. In addition, this alteration is predicted to be tolerated by in silico analysis. Since supporting evidence is limited at this time, the clinical significance of this alteration remains unclear.

NM_000059.4(BRCA2):c.6024G>T (p.Lys2008Asn)

Gene: BRCA2 (BRCA2 DNA repair associated; plus strand). Cytogenetic location: 13q13.1.
Variant type: single nucleotide variant.
Coding change: c.6024G>T on transcript NM_000059.4 (MANE Select); coding-DNA position 6024, G replaced by T.
Protein change: p.Lys2008Asn; replaces lysine 2008 with asparagine.
Molecular consequence: missense variant. On other transcripts: non-coding transcript variant (1), intron variant (2).
Genome position (GRCh38, 1-based): chr13:32,340,379, G>T. VCF-style: chr13-32340379-G-T. GRCh37 (hg19) VCF-style: chr13-32914516-G-T.
Other names: c.6024G>T, p.Lys2008Asn (NM_001406719.1, NM_001406720.1); c.1910-4179G>T (NM_001406721.1); c.425-4179G>T (NM_001406722.1); short protein forms K2008N.
Identifiers: ClinVar variation 2565986 (VCV002565986.3), dbSNP rs56324666, ClinGen allele CA387787762.